The following is an entry in ClinVar:

NM_006231.4(POLE):c.4309del (p.Ala1437fs)

Gene: POLE (DNA polymerase epsilon, catalytic subunit; minus strand). Cytogenetic location: 12q24.33.
Variant type: Deletion.
Coding change: c.4309del on transcript NM_006231.4 (MANE Select); coding-DNA position 4309, one base deleted (G; older notation c.4309delG).
Protein change: p.Ala1437fs; shifts the reading frame from alanine 1437.
Molecular consequence: frameshift variant.
Genome position (GRCh38, 1-based): chr12:132,643,542, C deleted on the plus strand (G on the coding strand, the reverse complement: POLE is on the minus strand); the first of 3 consecutive C bases (chr12:132,643,542-132,643,544); deleting any one gives the same sequence. VCF-style (leftmost placement, unchanged base first): chr12-132643541-GC-G. GRCh37 (hg19) VCF-style: chr12-133220127-GC-G.
Other names: short protein forms A1437fs.
Identifiers: ClinVar variation 1009639 (VCV001009639.8), dbSNP rs2042205100, ClinGen allele CA2072989593.

ClinVar aggregate classification (germline): Pathogenic (1 of 4 stars; one submission).

Submission:

Labcorp Genetics (formerly Invitae), Labcorp
Classification: Pathogenic. Last evaluated: 2022-05-12. Review status: criteria provided, single submitter. Criteria: Invitae Variant Classification Sherloc (09022015). Collection method: clinical testing. Allele origin: germline.
Comment: This sequence change creates a premature translational stop signal (p.Ala1437Profs*16) in the POLE gene. It is expected to result in an absent or disrupted protein product. Loss-of-function variants in POLE are known to be pathogenic (PMID: 23230001, 25948378, 30503519). This variant is not present in population databases (gnomAD no frequency). This variant has not been reported in the literature in individuals affected with POLE-related conditions. ClinVar contains an entry for this variant (Variation ID: 1009639). For these reasons, this variant has been classified as Pathogenic.

Literature cited by the submitters: PubMed 23230001; PubMed 25948378; PubMed 30503519.